The following is an entry in ClinVar:

ClinVar aggregate classification (germline): Conflicting classifications of pathogenicity. Review status: criteria provided, conflicting classifications (1 of 4 stars). 4 submissions from 4 submitters: Uncertain significance (2); Benign (1); Likely benign (1). Last evaluated 2026-02-04.

Allele frequency attached by ClinVar (database versions not stated): gnomAD exomes 0.00050 and 0.00123; ExAC 0.00151; gnomAD 0.00489 and 0.00519; 1000 Genomes Project 0.00499; TOPMed 0.00506; ESP Exome Variant Server 0.00523; 1000 Genomes Project 30x 0.00531.
gnomAD v4.1: 1,493 of 1,613,672 alleles (0.093%); highest among the groups gnomAD compares: African/African-American, 1.8%; 12 homozygotes.

Submissions (5):

Labcorp Genetics (formerly Invitae), Labcorp
Classification: Benign. Last evaluated: 2026-02-04. Review status: criteria provided, single submitter. Criteria: Invitae Variant Classification Sherloc (09022015). Collection method: clinical testing. Allele origin: germline.

Women's Health and Genetics/Laboratory Corporation of America, LabCorp
Classification: Likely benign. Last evaluated: 2026-01-22. Review status: criteria provided, single submitter. Criteria: LabCorp Variant Classification Summary - May 2015. Collection method: clinical testing. Allele origin: germline.

Blueprint Genetics
Classification: Uncertain significance. Last evaluated: 2024-11-25. Review status: criteria provided, single submitter. Criteria: ACMG Guidelines, 2015. Collection method: clinical testing. Allele origin: germline.

GeneDx
Classification: Uncertain significance. Last evaluated: 2017-02-06. Review status: criteria provided, single submitter. Criteria: GeneDx Variant Classification (06012015). Collection method: clinical testing. Allele origin: germline. Affected: yes.
Comment: The c.856-12G>A variant of uncertain significance in the C8A gene has not been reported previously as a pathogenic variant nor as a benign variant, to our knowledge. This variant is predicted to create a cryptic splice acceptor site upstream of the natural splice acceptor site of intron 6, which may not lead to abnormal gene splicing. However, in the absence of RNA/functional studies, the actual effect of this sequence change in this individual is unknown. The c.856-12G>A variant is observed in 172/9984 (1.7%) alleles from individuals of African American background, in large population cohorts (Lek et al., 2016; 1000 Genomes Consortium et al., 2015; Exome Variant Server). We interpret c.856-12G>A as a variant of uncertain significance.

Dr. Peter K. Rogan Lab, Western University
No classification provided (evidence only). Condition: Acute myeloid leukemia. Review status: no classification provided. Collection method: in vitro. Allele origin: not applicable. Functional consequence: retained intron. Not counted in ClinVar's aggregate classification.

NM_000562.3(C8A):c.856-12G>A

Gene: C8A (complement C8 alpha chain; plus strand). Cytogenetic location: 1p32.2.
Variant type: single nucleotide variant.
Coding change: c.856-12G>A on transcript NM_000562.3 (MANE Select); 12 bases into the intron before coding-DNA position 856, G replaced by A.
Molecular consequence: intron variant.
Genome position (GRCh38, 1-based): chr1:56,885,915, G>A. VCF-style: chr1-56885915-G-A. GRCh37 (hg19) VCF-style: chr1-57351588-G-A.
Identifiers: ClinVar variation 423171 (VCV000423171.15), dbSNP rs74075638, ClinGen allele CA875194.